The following is an entry in ClinVar:

NM_004281.4(BAG3):c.255G>T (p.Val85=)

Gene: BAG3 (BAG cochaperone 3; plus strand). Cytogenetic location: 10q26.11.
Variant type: single nucleotide variant.
Coding change: c.255G>T on transcript NM_004281.4 (MANE Select); coding-DNA position 255, G replaced by T.
Protein change: p.Val85=; no amino-acid change (valine 85 retained).
Molecular consequence: synonymous variant.
Genome position (GRCh38, 1-based): chr10:119,669,925, G>T. VCF-style: chr10-119669925-G-T. GRCh37 (hg19) VCF-style: chr10-121429437-G-T.
Identifiers: ClinVar variation 1793095 (VCV001793095.9), dbSNP rs750126868, ClinGen allele CA5716274.

ClinVar aggregate classification (germline): Likely benign. Review status: criteria provided, multiple submitters, no conflicts (2 of 4 stars). 3 submissions from 3 submitters: Likely benign (2). 1 of the submissions does not count toward it. Last evaluated 2025-03-27.

Conditions:
Cardiovascular phenotype. Identifiers: MedGen CN230736.
BAG3-related disorder. Also called: BAG3-related condition.
Myofibrillar myopathy 6. Identifiers: Orphanet 199340, MedGen C2751831, MONDO:0013061, OMIM 612954.
Dilated cardiomyopathy 1HH (CMD1HH). Identifiers: Orphanet 154, MedGen C3151293, MONDO:0013479, OMIM 613881.

Allele frequency attached by ClinVar (database versions not stated): ExAC 0.00001; gnomAD 0.00001; TOPMed 0.00001.

Submissions (3):

Labcorp Genetics (formerly Invitae), Labcorp
Classification: Likely benign for Dilated cardiomyopathy 1HH; Myofibrillar myopathy 6. Last evaluated: 2025-03-27. Review status: criteria provided, single submitter. Criteria: Invitae Variant Classification Sherloc (09022015). Collection method: clinical testing. Allele origin: germline.

Ambry Genetics
Classification: Likely benign for Cardiovascular phenotype. Last evaluated: 2021-11-27. Review status: criteria provided, single submitter. Criteria: Ambry Variant Classification Scheme 2023. Collection method: clinical testing. Allele origin: germline.

PreventionGenetics, part of Exact Sciences
Classification: Likely benign for BAG3-related condition. Last evaluated: 2019-04-02. Review status: no assertion criteria provided. Collection method: clinical testing. Allele origin: germline. Not counted in ClinVar's aggregate classification.
Comment: This variant is classified as likely benign based on ACMG/AMP sequence variant interpretation guidelines (Richards et al. 2015 PMID: 25741868, with internal and published modifications).